The following is an entry in ClinVar:

ClinVar aggregate classification (germline): Likely pathogenic (1 of 4 stars; one submission).

Conditions:
Nephrotic syndrome, type 4 (NPHS4). Also called: Familial mesangial sclerosis; Nephrotic syndrome, early onset with diffuse mesangial sclerosis. Identifiers: Orphanet 656, MedGen C3151568, MONDO:0009733, OMIM 256370.

Submission:

Centre of Medical Genetics, University Hospital Muenster
Classification: Likely pathogenic for Nephrotic syndrome, type 4. Last evaluated: 2022-01-14. Review status: criteria provided, single submitter. Criteria: ACMG Guidelines, 2015. Collection method: clinical testing. Allele origin: de novo. Affected: yes. Observed: 1 variant allele, 1 heterozygote.
Comment: ACMG categories: PS2,PM2,PP3,PP4

NM_024426.6(WT1):c.1322A>T (p.Asp441Val)

Gene: WT1 (WT1 transcription factor; minus strand). Cytogenetic location: 11p13.
Variant type: single nucleotide variant.
Coding change: c.1322A>T on transcript NM_024426.6 (MANE Select); coding-DNA position 1322, A replaced by T.
Protein change: p.Asp441Val; replaces aspartic acid 441 with valine.
Molecular consequence: missense variant. On other transcripts: non-coding transcript variant (1).
Genome position (GRCh38, 1-based): chr11:32,392,698, T>A on the plus strand (A>T on the coding strand, the complement: WT1 is on the minus strand). VCF-style: chr11-32392698-T-A. GRCh37 (hg19) VCF-style: chr11-32414244-T-A.
Other names: c.1271A>T, p.Asp424Val (NM_000378.6, NM_001407045.1, NM_001407049.1); c.671A>T, p.Asp224Val (NM_001198551.2); c.620A>T, p.Asp207Val (NM_001198552.2); c.134A>T, p.Asp45Val (NM_001367854.1); c.1316A>T, p.Asp439Val (NM_001407044.1); c.1322A>T, p.Asp441Val (NM_001407046.1, NM_024424.5); c.1199A>T, p.Asp400Val (NM_001407047.1); c.1148A>T, p.Asp383Val (NM_001407050.1); and 2 more; short protein forms D187V, D207V, D224V, D383V, D400V, D419V, D424V, D436V.
Identifiers: ClinVar variation 1708395 (VCV001708395.2), dbSNP rs2132920206, ClinGen allele CA379959230.